The following is an entry in ClinVar:

NM_000179.3(MSH6):c.3619_3620del (p.His1207fs)

Gene: MSH6 (mutS homolog 6; plus strand). Cytogenetic location: 2p16.3.
Variant type: Microsatellite.
Coding change: c.3619_3620del on transcript NM_000179.3 (MANE Select); coding-DNA positions 3619 to 3620, 2 bases deleted (CA; older notation c.3619_3620delCA).
Protein change: p.His1207fs; shifts the reading frame from histidine 1207.
Molecular consequence: frameshift variant.
Genome position (GRCh38, 1-based): chr2:47,805,680-47,805,681, CA deleted; deleting any 2 consecutive bases within chr2:47,805,678-47,805,681 gives the same sequence; the c. name uses the placement nearest the transcript's 3' end. VCF-style (leftmost placement, unchanged base first): chr2-47805677-GCA-G. GRCh37 (hg19) VCF-style: chr2-48032816-GCA-G.
Other names: c.3229_3230del, p.His1077fs (NM_001281492.2); c.2713_2714del, p.His905fs (NM_001281493.2, NM_001281494.2); c.3619_3620delCA (NM_000179.2); c.3619_3620del (NM_000179.2); short protein forms H1077fs, H1207fs, H905fs.
Identifiers: ClinVar variation 823996 (VCV000823996.17), dbSNP rs1572741984, ClinGen allele CA915943963.
Genomic context (GRCh38, chr2:47,805,677, plus strand): 5'-GGTGAAAGTACATTTTTTGTTGAATTAAGTGAAACTGCCAGCATACTCATGCATGCAACA[GCA>G]CATTCTCTGGTGCTTGTGGATGAATTAGGTAAGACATTAAACTTCTCATTTGAAGACTAT-3'

ClinVar aggregate classification (germline): Pathogenic/Likely pathogenic. Review status: criteria provided, multiple submitters, no conflicts (2 of 4 stars). 10 submissions from 10 submitters: Pathogenic (8); Likely pathogenic (2). Last evaluated 2024-11-28.

Conditions:
Hereditary cancer-predisposing syndrome. Also called: Neoplastic Syndromes, Hereditary; Tumor predisposition; Hereditary neoplastic syndrome; Hereditary Cancer Syndrome. Identifiers: Orphanet 140162, MedGen C0027672, MeSH D009386, MONDO:0015356.
Lynch syndrome. Identifiers: Orphanet 144, MedGen C4552100, MONDO:0005835. Disease mechanism: loss of function.
Lynch syndrome 5 (LYNCH5). Also called: Colorectal cancer, hereditary nonpolyposis, type 5; Hereditary non-polyposis colorectal cancer, type 5. Identifiers: Orphanet 144, MedGen C1833477, MONDO:0013710, OMIM 614350. Disease mechanism: loss of function.
Endometrial carcinoma. Also called: Endometrial carcinoma, somatic. Identifiers: MedGen C0476089, MONDO:0002447, OMIM 608089, HP:0012114.
Hereditary nonpolyposis colorectal neoplasms. Identifiers: MedGen C0009405, MeSH D003123.

Submissions (10):

Clinical Genetics Laboratory, Skane University Hospital Lund
Classification: Pathogenic for Lynch syndrome 5. Last evaluated: 2024-11-28. Review status: criteria provided, single submitter. Criteria: ACMG Guidelines, 2015. Collection method: clinical testing. Allele origin: germline. Affected: yes.

All of Us Research Program, National Institutes of Health
Classification: Pathogenic for Lynch syndrome. Last evaluated: 2024-06-09. Review status: criteria provided, single submitter. Criteria: ACMG Guidelines, 2015. Collection method: clinical testing. Allele origin: germline. Inheritance: Autosomal dominant inheritance. Observed: 1 variant allele, 1 heterozygote.
Comment: This variant deletes 2 nucleotides in exon 7/10 of the MSH6 gene, creating a frameshift and premature translation stop signal. This variant is expected to result in an absent or non-functional protein product. This variant has been reported in individuals affected with Lynch syndrome (PMID: 26177554, 27601186, 30251116). This variant has not been identified in the general population by the Genome Aggregation Database (gnomAD). Loss of MSH6 function is a known mechanism of disease. Based on the available evidence, this variant is classified as Pathogenic.

This study involves interpretation of variants in research participants for the purpose of population health screening. Participant phenotype was not available at the time of variant classification. Additional details can be found in publication PMID: 35346344, PMCID: PMC8962531

Molecular Pathology, Peter Maccallum Cancer Centre
Classification: Pathogenic for Lynch syndrome 5. Last evaluated: 2024-04-27. Review status: criteria provided, single submitter. Criteria: ACMG Guidelines, 2015. Collection method: clinical testing. Allele origin: germline. Inheritance: Autosomal dominant inheritance.

Color Diagnostics, LLC DBA Color Health
Classification: Pathogenic for Hereditary cancer-predisposing syndrome. Last evaluated: 2024-04-03. Review status: criteria provided, single submitter. Criteria: ACMG Guidelines, 2015. Collection method: clinical testing. Allele origin: germline.
Comment: This variant deletes 2 nucleotides in exon 7/10 of the MSH6 gene, creating a frameshift and premature translation stop signal. This variant is expected to result in an absent or non-functional protein product. This variant has been reported in individuals affected with Lynch syndrome (PMID: 26177554, 27601186, 30251116). This variant has not been identified in the general population by the Genome Aggregation Database (gnomAD). Loss of MSH6 function is a known mechanism of disease. Based on the available evidence, this variant is classified as Pathogenic.

Labcorp Genetics (formerly Invitae), Labcorp
Classification: Pathogenic for Hereditary nonpolyposis colorectal neoplasms. Last evaluated: 2024-02-05. Review status: criteria provided, single submitter. Criteria: Invitae Variant Classification Sherloc (09022015). Collection method: clinical testing. Allele origin: germline.
Comment: This sequence change creates a premature translational stop signal (p.His1207Phefs*7) in the MSH6 gene. It is expected to result in an absent or disrupted protein product. Loss-of-function variants in MSH6 are known to be pathogenic (PMID: 18269114, 24362816). This variant is not present in population databases (gnomAD no frequency). This premature translational stop signal has been observed in individual(s) with Lynch syndrome (PMID: 27601186). ClinVar contains an entry for this variant (Variation ID: 823996). For these reasons, this variant has been classified as Pathogenic.

Myriad Genetics, Inc.
Classification: Pathogenic for Lynch syndrome 5. Last evaluated: 2023-08-24. Review status: criteria provided, single submitter. Criteria: Myriad Autosomal Dominant, Autosomal Recessive and X-Linked Classification Criteria (2023). Collection method: clinical testing. Allele origin: unknown.
Comment: This variant is considered pathogenic. This variant creates a frameshift predicted to result in premature protein truncation.

Baylor Genetics
Classification: Pathogenic for Endometrial carcinoma. Last evaluated: 2023-08-10. Review status: criteria provided, single submitter. Criteria: ACMG Guidelines, 2015. Collection method: clinical testing. Allele origin: unknown.

Revvity Omics, Revvity
Classification: Likely pathogenic. Last evaluated: 2022-12-05. Review status: criteria provided, single submitter. Criteria: ACMG Guidelines, 2015. Collection method: clinical testing. Allele origin: germline.

Ambry Genetics
Classification: Pathogenic for Hereditary cancer-predisposing syndrome. Last evaluated: 2021-03-18. Review status: criteria provided, single submitter. Criteria: Ambry Variant Classification Scheme 2023. Collection method: clinical testing. Allele origin: germline.
Comment: The c.3619_3620delCA pathogenic mutation, located in coding exon 7 of the MSH6 gene, results from a deletion of two nucleotides at nucleotide positions 3619 to 3620, causing a translational frameshift with a predicted alternate stop codon (p.H1207Ffs*7). This mutation has been reported in Swedish Lynch syndrome patients (Tzortzatos G et al. Gynecol. Oncol. 2015 Sep;138:717-22; Lagerstedt-Robinson K et al. Oncol. Rep. 2016 Nov;36:2823-2835). This variant was not reported in population-based cohorts in the Genome Aggregation Database (gnomAD). In addition to the clinical data presented in the literature, this alteration is expected to result in loss of function by premature protein truncation or nonsense-mediated mRNA decay. As such, this alteration is interpreted as a disease-causing mutation.

Laboratory for Molecular Medicine, Mass General Brigham Personalized Medicine
Classification: Likely pathogenic for Lynch syndrome. Last evaluated: 2020-05-13. Review status: criteria provided, single submitter. Criteria: ACMG Guidelines, 2015. Collection method: clinical testing. Allele origin: germline.
Comment: The p.His1207PhefsX7 variant in MSH6 has been reported in an individual with Lynch syndrome (Lagerstedt-Robinson, 2016) and was absent from large population studies. This variant is predicted to cause a frameshift, which alters the protein’s amino acid sequence beginning at position 1207 and leads to a premature termination codon 7 amino acids downstream. This alteration is then predicted to lead to a truncated or absent protein. Loss of function of the MSH6 gene is an established disease mechanism in autosomal dominant Lynch syndrome. In summary, although additional studies are required to fully establish its clinical significance, this variant meets criteria to be classified as likely pathogenic for autosomal dominant Lynch syndrome. ACMG/AMP Criteria applied: PVS1, PM2.

Literature cited by the submitters: PubMed 26177554 (cited by 3 submitters); PubMed 27601186 (cited by 5 submitters); PubMed 30251116 (cited by All of Us Research Program, National Institutes of Health and Color Diagnostics, LLC DBA Color Health); PubMed 18269114 (cited by Labcorp Genetics (formerly Invitae), Labcorp); PubMed 24362816 (cited by Labcorp Genetics (formerly Invitae), Labcorp).